The following is an entry in ClinVar:

NM_007294.4(BRCA1):c.5075-9A>G

Gene: BRCA1 (BRCA1 DNA repair associated; minus strand). Cytogenetic location: 17q21.31.
Variant type: single nucleotide variant.
Coding change: c.5075-9A>G on transcript NM_007294.4 (MANE Select); 9 bases into the intron before coding-DNA position 5075, A replaced by G.
Molecular consequence: intron variant.
Genome position (GRCh38, 1-based): chr17:43,063,960, T>C on the plus strand (A>G on the coding strand, the complement: BRCA1 is on the minus strand). VCF-style: chr17-43063960-T-C. GRCh37 (hg19) VCF-style: chr17-41215977-T-C.
Other names: c.1622-9A>G (NM_001408458.1, NM_001408461.1, NM_001408464.1 and 7 more transcripts); c.4184-9A>G (NM_001407967.1); c.4694-9A>G (NM_001407959.1); c.4808-9A>G (NM_001407931.1, NM_001407932.1, NM_001407928.1 and 4 more transcripts); c.4931-9A>G (NM_001407747.1, NM_001407745.1, NM_001407737.1 and 21 more transcripts); c.4691-9A>G (NM_001407962.1, NM_001407960.1); c.1262-9A>G (NM_001408512.1); c.1385-9A>G (NM_001408510.1); and 73 more.
Identifiers: ClinVar variation 240812 (VCV000240812.17), dbSNP rs80358059, ClinGen allele CA10583554.

ClinVar aggregate classification (germline): Likely benign. Review status: criteria provided, multiple submitters, no conflicts (2 of 4 stars). 4 submissions from 4 submitters: Likely benign (4). Last evaluated 2025-11-18.

Conditions:
Breast and/or ovarian cancer. Identifiers: MedGen CN221562.
Hereditary cancer-predisposing syndrome. Also called: Hereditary Cancer Syndrome; Neoplastic Syndromes, Hereditary; Hereditary neoplastic syndrome; Tumor predisposition. Identifiers: Orphanet 140162, MedGen C0027672, MeSH D009386, MONDO:0015356.
Hereditary breast ovarian cancer syndrome. Also called: Hereditary breast and ovarian cancer syndrome (HBOC); Breast and ovarian cancer; Hereditary breast and ovarian cancer syndrome; Hereditary breast and ovarian cancer; BRCA1- and BRCA2-Associated Hereditary Breast and Ovarian Cancer; Hereditary breast and/or ovarian cancer syndrome. Identifiers: Orphanet 145, MedGen C0677776, MeSH D061325, MONDO:0003582. Disease mechanism: loss of function.

gnomAD v4.1: 2 of 1,613,304 alleles (0.00012%); highest among the groups gnomAD compares: East Asian, 0.0045%; no homozygotes.

Submissions (5):

Labcorp Genetics (formerly Invitae), Labcorp
Classification: Likely benign for Hereditary breast ovarian cancer syndrome. Last evaluated: 2025-11-18. Review status: criteria provided, single submitter. Criteria: Invitae Variant Classification Sherloc (09022015). Collection method: clinical testing. Allele origin: germline.

Color Diagnostics, LLC DBA Color Health
Classification: Likely benign for Hereditary cancer-predisposing syndrome. Last evaluated: 2025-04-28. Review status: criteria provided, single submitter. Criteria: ACMG Guidelines, 2015. Collection method: clinical testing. Allele origin: germline.

ARUP Laboratories, Molecular Genetics and Genomics, ARUP Laboratories
Classification: Likely benign. Last evaluated: 2023-11-02. Review status: criteria provided, single submitter. Criteria: ARUP Molecular Germline Variant Investigation Process 2024. Collection method: clinical testing. Allele origin: germline.

CHEO Genetics Diagnostic Laboratory, Children's Hospital of Eastern Ontario
Classification: Likely benign for Breast and/or ovarian cancer. Last evaluated: 2022-07-18. Review status: criteria provided, single submitter. Criteria: ACMG Guidelines, 2015. Collection method: clinical testing. Allele origin: germline.

Brotman Baty Institute, University of Washington
No classification provided (evidence only). Condition: Breast-ovarian cancer, familial 1. Review status: no classification provided. Collection method: in vitro. Allele origin: not applicable. Functional consequence: functionally_normal. Not counted in ClinVar's aggregate classification.
ClinVar note: "not provided" was previously submitted as the classification for the variant. However, the classification appeared to be based only on an observation of functional data so it was converted to no classification on 2025-07-30.